The following is an entry in ClinVar:

NM_006466.4(POLR3F):c.237_238del (p.Gln80fs)

Gene: POLR3F (RNA polymerase III subunit F; plus strand). Cytogenetic location: 20p11.23.
Variant type: Microsatellite.
Coding change: c.237_238del on transcript NM_006466.4 (MANE Select); coding-DNA positions 237 to 238, 2 bases deleted (TC; older notation c.237_238delTC).
Protein change: p.Gln80fs; shifts the reading frame from glutamine 80.
Molecular consequence: frameshift variant. On other transcripts: non-coding transcript variant (1).
Genome position (GRCh38, 1-based): chr20:18,472,898-18,472,899, TC deleted; deleting any 2 consecutive bases within chr20:18,472,895-18,472,899 gives the same sequence; the c. name uses the placement nearest the transcript's 3' end. VCF-style (leftmost placement, unchanged base first): chr20-18472894-ACT-A. GRCh37 (hg19) VCF-style: chr20-18453538-ACT-A.
Other names: c.114_115del, p.Gln39fs (NM_001282526.2); c.237_238del, p.Gln80fs (NM_001410821.1); short protein forms Q80fs, Q39fs.
Identifiers: ClinVar variation 4761555 (VCV004761555.1).
Genomic context (GRCh38, chr20:18,472,894, plus strand): 5'-AAAACTAGGGTCAGTTGGATCTCTTAAGGAGCAATACGGGCCTTTTATATAGAATAAAGG[ACT>A]CTCAGAATGCTGGGTAAGTACTTGTTTTTTTAATTTTAAGAAAATGTTTATTATTTGCAA-3'

ClinVar aggregate classification (germline): Uncertain significance (1 of 4 stars; one submission).

Submission:

Labcorp Genetics (formerly Invitae), Labcorp
Classification: Uncertain significance. Last evaluated: 2025-10-12. Review status: criteria provided, single submitter. Criteria: Invitae Variant Classification Sherloc (09022015). Collection method: clinical testing. Allele origin: germline.
Comment: This sequence change creates a premature translational stop signal (p.Gln39Glufs*4) in the POLR3F gene. It is expected to result in an absent or disrupted protein product. However, the current clinical and genetic evidence is not sufficient to establish whether loss-of-function variants in POLR3F cause disease. This variant is present in population databases (no rsID available, gnomAD 0.007%). This variant has not been reported in the literature in individuals affected with POLR3F-related conditions. In summary, the available evidence is currently insufficient to determine the role of this variant in disease. Therefore, it has been classified as a Variant of Uncertain Significance.